The following is an entry in ClinVar:

NM_003172.4(SURF1):c.491C>G (p.Thr164Ser)

Gene: SURF1 (SURF1 cytochrome c oxidase assembly factor; minus strand). Cytogenetic location: 9q34.2.
Variant type: single nucleotide variant.
Coding change: c.491C>G on transcript NM_003172.4 (MANE Select); coding-DNA position 491, C replaced by G.
Protein change: p.Thr164Ser; replaces threonine 164 with serine.
Molecular consequence: missense variant.
Genome position (GRCh38, 1-based): chr9:133,353,773, G>C on the plus strand (C>G on the coding strand, the complement: SURF1 is on the minus strand). VCF-style: chr9-133353773-G-C. GRCh37 (hg19) VCF-style: chr9-136220628-G-C.
Other names: c.164C>G, p.Thr55Ser (NM_001280787.1); short protein forms T164S, T55S.
Identifiers: ClinVar variation 1949790 (VCV001949790.2), dbSNP rs782214884, ClinGen allele CA200832965.
Genomic context (GRCh38, chr9:133,353,773, plus strand): 5'-CTGCCAGGACAGCCAGCTCCCACATGTCCTACTCACCCCAGGTCGGTGCAGTGGAAGGGA[G>C]TGACCACATAGGCCCCACTCTGAGTTGAGGAGGAGATGAGGCCGCCCTCCCGGGCCTCCC-3'
Protein context (NP_003163.1, residues 154-174): SSTQSGAYVV[Thr164Ser]PFHCTDLGVT

ClinVar aggregate classification (germline): Uncertain significance (1 of 4 stars; one submission).

Conditions:
Leigh syndrome (NULS). Also called: Subacute necrotizing encephalopathy; Necrotizing encephalopathy infantile subacute of Leigh; LEIGH SYNDROME, NUCLEAR; Leigh Disease; Leigh's syndrome; Leigh's necrotizing encephalopathy. Identifiers: Orphanet 506, MedGen C2931891, MONDO:0009723, OMIM 256000.

gnomAD v4.1: 9 of 1,613,872 alleles (0.00056%); highest among the groups gnomAD compares: Non-Finnish European, 0.00068%; no homozygotes.

Submission:

Labcorp Genetics (formerly Invitae), Labcorp
Classification: Uncertain significance for Leigh syndrome. Last evaluated: 2022-08-03. Review status: criteria provided, single submitter. Criteria: Invitae Variant Classification Sherloc (09022015). Collection method: clinical testing. Allele origin: germline.
Comment: This sequence change replaces threonine, which is neutral and polar, with serine, which is neutral and polar, at codon 164 of the SURF1 protein (p.Thr164Ser). This variant is present in population databases (rs782214884, gnomAD 0.0009%). This variant has not been reported in the literature in individuals affected with SURF1-related conditions. Algorithms developed to predict the effect of missense changes on protein structure and function are either unavailable or do not agree on the potential impact of this missense change (SIFT: "Deleterious"; PolyPhen-2: "Probably Damaging"; Align-GVGD: "Class C0"). In summary, the available evidence is currently insufficient to determine the role of this variant in disease. Therefore, it has been classified as a Variant of Uncertain Significance.